The following is an entry in ClinVar:

NM_001282531.3(ADNP):c.2306G>C (p.Ser769Thr)

Gene: ADNP (activity dependent neuroprotector homeobox; minus strand). Cytogenetic location: 20q13.13.
Variant type: single nucleotide variant.
Coding change: c.2306G>C on transcript NM_001282531.3 (MANE Select); coding-DNA position 2306, G replaced by C.
Protein change: p.Ser769Thr; replaces serine 769 with threonine.
Molecular consequence: missense variant.
Genome position (GRCh38, 1-based): chr20:50,892,408, C>G on the plus strand (G>C on the coding strand, the complement: ADNP is on the minus strand). VCF-style: chr20-50892408-C-G. GRCh37 (hg19) VCF-style: chr20-49508945-C-G.
Other names: c.2306G>C (NM_015339.2); c.1622G>C, p.Ser541Thr (NM_001439001.1); c.2306G>C, p.Ser769Thr (NM_015339.5, NM_181442.4, NM_001282532.2 and 1 more transcripts); c.2522G>C, p.Ser841Thr (NM_001439000.1); short protein forms S541T, S769T, S841T.
Identifiers: ClinVar variation 4760945 (VCV004760945.2).

ClinVar aggregate classification (germline): Uncertain significance. Review status: criteria provided, multiple submitters, no conflicts (2 of 4 stars). 2 submissions from 2 submitters: Uncertain significance (2). Last evaluated 2026-03-26.

Conditions:
Inborn genetic diseases. Identifiers: MedGen C0950123, MeSH D030342.

gnomAD v4.1: 2 of 1,614,188 alleles (0.00012%); highest among the groups gnomAD compares: Admixed American, 0.0017%; no homozygotes.

Submissions (2):

Ambry Genetics
Classification: Uncertain significance for Inborn genetic diseases. Last evaluated: 2026-03-26. Review status: criteria provided, single submitter. Criteria: Ambry Variant Classification Scheme 2023. Collection method: clinical testing. Allele origin: germline.

Labcorp Genetics (formerly Invitae), Labcorp
Classification: Uncertain significance. Last evaluated: 2025-04-12. Review status: criteria provided, single submitter. Criteria: Invitae Variant Classification Sherloc (09022015). Collection method: clinical testing. Allele origin: germline.
Comment: This sequence change replaces serine, which is neutral and polar, with threonine, which is neutral and polar, at codon 769 of the ADNP protein (p.Ser769Thr). This variant is not present in population databases (gnomAD no frequency). This variant has not been reported in the literature in individuals affected with ADNP-related conditions. An algorithm developed to predict the effect of missense changes on protein structure and function outputs the following: PolyPhen-2: "Benign". The threonine amino acid residue is found in multiple mammalian species, which suggests that this missense change does not adversely affect protein function. In summary, the available evidence is currently insufficient to determine the role of this variant in disease. Therefore, it has been classified as a Variant of Uncertain Significance.